The following is an entry in ClinVar:

ClinVar aggregate classification (germline): Uncertain significance (1 of 4 stars; one submission).

Allele frequency attached by ClinVar (database versions not stated): ExAC 0.00002; gnomAD 0.00003; gnomAD exomes 0.00002; TOPMed 0.00002.
gnomAD v4.1: 33 of 1,613,888 alleles (0.002%); highest among the groups gnomAD compares: Non-Finnish European, 0.0026%; no homozygotes.

Submission:

Labcorp Genetics (formerly Invitae), Labcorp
Classification: Uncertain significance. Last evaluated: 2025-11-24. Review status: criteria provided, single submitter. Criteria: Invitae Variant Classification Sherloc (09022015). Collection method: clinical testing. Allele origin: germline.
Comment: This sequence change replaces asparagine, which is neutral and polar, with threonine, which is neutral and polar, at codon 317 of the SERPING1 protein (p.Asn317Thr). This variant is present in population databases (rs745549510, gnomAD 0.003%). This variant has not been reported in the literature in individuals affected with SERPING1-related conditions. ClinVar contains an entry for this variant (Variation ID: 2736654). Invitae Evidence Modeling of protein sequence and biophysical properties (such as structural, functional, and spatial information, amino acid conservation, physicochemical variation, residue mobility, and thermodynamic stability) has been performed for this missense variant. However, the output from this modeling did not meet the statistical confidence thresholds required to predict the impact of this variant on SERPING1 protein function. In summary, the available evidence is currently insufficient to determine the role of this variant in disease. Therefore, it has been classified as a Variant of Uncertain Significance.

NM_000062.3(SERPING1):c.950A>C (p.Asn317Thr)

Gene: SERPING1 (serpin family G member 1; plus strand). Cytogenetic location: 11q12.1.
Variant type: single nucleotide variant.
Coding change: c.950A>C on transcript NM_000062.3 (MANE Select); coding-DNA position 950, A replaced by C.
Protein change: p.Asn317Thr; replaces asparagine 317 with threonine.
Molecular consequence: missense variant.
Genome position (GRCh38, 1-based): chr11:57,606,468, A>C. VCF-style: chr11-57606468-A-C. GRCh37 (hg19) VCF-style: chr11-57373941-A-C.
Other names: c.950A>C, p.Asn317Thr (NM_001032295.2); short protein forms N317T.
Identifiers: ClinVar variation 2736654 (VCV002736654.3), dbSNP rs745549510, ClinGen allele CA6008169.